The following is an entry in ClinVar:

ClinVar aggregate classification (germline): Uncertain significance (1 of 4 stars; one submission).

Submission:

Labcorp Genetics (formerly Invitae), Labcorp
Classification: Uncertain significance. Last evaluated: 2022-10-17. Review status: criteria provided, single submitter. Criteria: Invitae Variant Classification Sherloc (09022015). Collection method: clinical testing. Allele origin: germline.
Comment: This sequence change creates a premature translational stop signal (p.Thr62Asnfs*13) in the KPNA7 gene. It is expected to result in an absent or disrupted protein product. However, the current clinical and genetic evidence is not sufficient to establish whether loss-of-function variants in KPNA7 cause disease. This variant is present in population databases (rs746637129, gnomAD 0.01%). This variant has not been reported in the literature in individuals affected with KPNA7-related conditions. ClinVar contains an entry for this variant (Variation ID: 1063771). In summary, the available evidence is currently insufficient to determine the role of this variant in disease. Therefore, it has been classified as a Variant of Uncertain Significance.

NM_001145715.3(KPNA7):c.184dup (p.Thr62fs)

Gene: KPNA7 (karyopherin subunit alpha 7; minus strand). Cytogenetic location: 7q22.1.
Variant type: Duplication.
Coding change: c.184dup on transcript NM_001145715.3 (MANE Select); coding-DNA position 184, one base duplicated (A; older notation c.184dupA).
Protein change: p.Thr62fs; shifts the reading frame from threonine 62.
Molecular consequence: frameshift variant.
Genome position (GRCh38, 1-based): chr7:99,203,123, T duplicated on the plus strand (A on the coding strand, the reverse complement: KPNA7 is on the minus strand); the first of 6 consecutive T bases (chr7:99,203,123-99,203,128); duplicating any one gives the same sequence. VCF-style (leftmost placement, unchanged base first): chr7-99203122-G-GT. GRCh37 (hg19) VCF-style: chr7-98800745-G-GT.
Other names: short protein forms T62fs.
Identifiers: ClinVar variation 1063771 (VCV001063771.4), dbSNP rs746637129, ClinGen allele CA4363288.
Genomic context (GRCh38, chr7:99,203,122, plus strand): 5'-AGAACATATTTTGCCCAAGACTACTCTAAACACTACATACTGACCGCCACCCCTTTGGCT[G>GT]TTTTTTCAGAAGGTGTGTCAGGGCAGAAGCTCGTGATATTCCTTCTCTTTAAGGTCTGTT-3'